The following is an entry in ClinVar:

NM_001048166.1(STIL):c.3579G>A (p.Thr1193=)

Gene: STIL (STIL centriolar assembly protein; minus strand). Cytogenetic location: 1p33.
Variant type: single nucleotide variant.
Coding change: c.3579G>A on transcript NM_001048166.1 (MANE Select); coding-DNA position 3579, G replaced by A.
Protein change: p.Thr1193=; no amino-acid change (threonine 1193 retained).
Molecular consequence: synonymous variant.
Genome position (GRCh38, 1-based): chr1:47,251,424, C>T on the plus strand (G>A on the coding strand, the complement: STIL is on the minus strand). VCF-style: chr1-47251424-C-T. GRCh37 (hg19) VCF-style: chr1-47717096-C-T.
Other names: c.3576G>A, p.Thr1192= (NM_001282936.1, NM_003035.2); c.3525G>A, p.Thr1175= (NM_001282937.1); c.3438G>A, p.Thr1146= (NM_001282938.1, NM_001377417.1); c.3384G>A, p.Thr1128= (NM_001282939.1).
Identifiers: ClinVar variation 873842 (VCV000873842.23), dbSNP rs749339741, ClinGen allele CA841948.
Genomic context (GRCh38, chr1:47,251,424, plus strand): 5'-AGTCAACTGCTGTTTTGCTTTTGTCTGCAAAACTTCATTTGTAATATTTCTCAATACTGG[C>T]GTATCTGCGTTGGTCCCCACAGATTCACAGTTAGAACAATTAATTATTTCATGGTCATTC-3'
Protein context (NP_001041631.1, residues 1183-1203): NCESVGTNAD[Thr1193=]PVLRNITNEV

ClinVar aggregate classification (germline): Conflicting classifications of pathogenicity. Review status: criteria provided, conflicting classifications (1 of 4 stars). 3 submissions from 3 submitters: Uncertain significance (1); Likely benign (2). Last evaluated 2026-07-01.

Conditions:
Microcephaly 7, primary, autosomal recessive. Identifiers: Orphanet 2512, MedGen C2675187, MONDO:0012989, OMIM 612703.

Allele frequency attached by ClinVar (database versions not stated): TOPMed 0.00006.
gnomAD v4.1: 78 of 1,614,034 alleles (0.0048%); highest among the groups gnomAD compares: Admixed American, 0.018%; no homozygotes.

Submissions (3):

CeGaT Center for Human Genetics Tuebingen
Classification: Likely benign. Last evaluated: 2026-07-01. Review status: criteria provided, single submitter. Criteria: CeGaT Center For Human Genetics Tuebingen Variant Classification Criteria Version 2. Collection method: clinical testing. Allele origin: germline. Affected: yes. Observed: 2 variant alleles.
Comment: STIL: BP4, BP7

Labcorp Genetics (formerly Invitae), Labcorp
Classification: Likely benign. Last evaluated: 2025-05-13. Review status: criteria provided, single submitter. Criteria: Invitae Variant Classification Sherloc (09022015). Collection method: clinical testing. Allele origin: germline.

Illumina Laboratory Services, Illumina
Classification: Uncertain significance for Microcephaly 7, primary, autosomal recessive. Last evaluated: 2018-01-13. Review status: criteria provided, single submitter. Criteria: ICSL Variant Classification Criteria 13 December 2019. Collection method: clinical testing. Allele origin: germline.